The following is an entry in ClinVar:

ClinVar aggregate classification (germline): Pathogenic (1 of 4 stars; one submission).

Conditions:
Tuberous sclerosis 1 (TSC1). Identifiers: Orphanet 805, MedGen C1854465, MONDO:0008612, OMIM 191100.

Submission:

Labcorp Genetics (formerly Invitae), Labcorp
Classification: Pathogenic for Tuberous sclerosis 1. Last evaluated: 2021-07-22. Review status: criteria provided, single submitter. Criteria: Invitae Variant Classification Sherloc (09022015). Collection method: clinical testing. Allele origin: germline.
Comment: This variant has not been reported in the literature in individuals affected with TSC1-related conditions. This sequence change creates a premature translational stop signal (p.His618Profs*9) in the TSC1 gene. It is expected to result in an absent or disrupted protein product. Loss-of-function variants in TSC1 are known to be pathogenic (PMID: 10227394, 17304050). This variant is not present in population databases (ExAC no frequency). For these reasons, this variant has been classified as Pathogenic.

Literature cited by the submitters: PubMed 10227394; PubMed 17304050.

NM_000368.5(TSC1):c.1849_1852dup (p.His618fs)

Gene: TSC1 (TSC complex subunit 1; minus strand). Cytogenetic location: 9q34.13.
Variant type: Duplication.
Coding change: c.1849_1852dup on transcript NM_000368.5 (MANE Select); coding-DNA positions 1849 to 1852, 4 bases duplicated (CATC; older notation c.1849_1852dupCATC).
Protein change: p.His618fs; shifts the reading frame from histidine 618.
Molecular consequence: frameshift variant.
Genome position (GRCh38, 1-based): chr9:132,905,726-132,905,729, GATG duplicated on the plus strand (CATC on the coding strand, the reverse complement: TSC1 is on the minus strand); duplicating any 4 consecutive bases within chr9:132,905,726-132,905,730 gives the same sequence; the c. name uses the placement nearest the transcript's 3' end. VCF-style (leftmost placement, unchanged base first): chr9-132905725-T-TGATG. GRCh37 (hg19) VCF-style: chr9-135781112-T-TGATG.
Other names: c.1846_1849dup, p.His617fs (NM_001162426.2); c.1696_1699dup, p.His567fs (NM_001162427.2); c.1486_1489dup, p.His497fs (NM_001362177.2); short protein forms H617fs, H497fs, H567fs, H618fs.
Identifiers: ClinVar variation 1378495 (VCV001378495.6), dbSNP rs2131818738, ClinGen allele CA2573144275.
Genomic context (GRCh38, chr9:132,905,725, plus strand): 5'-TCTTCCTCTGTGTTTCCTTTTGCTTTCTTTAACAGCTCCTCAGTCTTCCTGATGACAAAA[T>TGATG]GATGGGCTGTCTTTGGCAATGCCACCTCAAAAAGATGATCATACGGGGGAGGCTGCCCGC-3'